The following is an entry in ClinVar:

ClinVar aggregate classification (germline): Uncertain significance (1 of 4 stars; one submission).

Conditions:
RYR1-related disorder. Also called: RYR1-related condition; RYR1-related disorders. Identifiers: MedGen CN239331.

gnomAD v4.1: 3 of 1,613,822 alleles (0.00019%); highest among the groups gnomAD compares: Non-Finnish European, 0.00025%; no homozygotes.

Submission:

Labcorp Genetics (formerly Invitae), Labcorp
Classification: Uncertain significance for RYR1-related disorder. Last evaluated: 2025-05-18. Review status: criteria provided, single submitter. Criteria: Invitae Variant Classification Sherloc (09022015). Collection method: clinical testing. Allele origin: germline.
Comment: This sequence change replaces methionine, which is neutral and non-polar, with isoleucine, which is neutral and non-polar, at codon 2228 of the RYR1 protein (p.Met2228Ile). This variant is not present in population databases (gnomAD no frequency). This variant has not been reported in the literature in individuals affected with RYR1-related conditions. ClinVar contains an entry for this variant (Variation ID: 3635984). Invitae Evidence Modeling of protein sequence and biophysical properties (such as structural, functional, and spatial information, amino acid conservation, physicochemical variation, residue mobility, and thermodynamic stability) indicates that this missense variant is not expected to disrupt RYR1 protein function with a negative predictive value of 80%. In summary, the available evidence is currently insufficient to determine the role of this variant in disease. Therefore, it has been classified as a Variant of Uncertain Significance.

NM_000540.3(RYR1):c.6684G>A (p.Met2228Ile)

Gene: RYR1 (ryanodine receptor 1; plus strand). Cytogenetic location: 19q13.2.
Variant type: single nucleotide variant.
Coding change: c.6684G>A on transcript NM_000540.3 (MANE Select); coding-DNA position 6684, G replaced by A.
Protein change: p.Met2228Ile; replaces methionine 2228 with isoleucine.
Molecular consequence: missense variant.
Genome position (GRCh38, 1-based): chr19:38,496,429, G>A. VCF-style: chr19-38496429-G-A. GRCh37 (hg19) VCF-style: chr19-38987069-G-A.
Other names: c.6684G>A, p.Met2228Ile (NM_001042723.2); short protein forms M2228I.
Identifiers: ClinVar variation 3635984 (VCV003635984.2).